The following is an entry in ClinVar:

NM_001961.4(EEF2):c.667T>C (p.Phe223Leu)

Gene: EEF2 (eukaryotic translation elongation factor 2; minus strand). Cytogenetic location: 19p13.3.
Variant type: single nucleotide variant.
Coding change: c.667T>C on transcript NM_001961.4 (MANE Select); coding-DNA position 667, T replaced by C.
Protein change: p.Phe223Leu; replaces phenylalanine 223 with leucine.
Molecular consequence: missense variant.
Genome position (GRCh38, 1-based): chr19:3,982,370, A>G on the plus strand (T>C on the coding strand, the complement: EEF2 is on the minus strand). VCF-style: chr19-3982370-A-G. GRCh37 (hg19) VCF-style: chr19-3982368-A-G.
Other names: short protein forms F223L.
Identifiers: ClinVar variation 1320766 (VCV001320766.2), dbSNP rs2145364424, ClinGen allele CA403394393.
Genomic context (GRCh38, chr19:3,982,370, plus strand): 5'-GGCCCTCCCCCTTGGCGGCGAACTTGGCCACATACATCTCGGCAAACTGCTTCAGGGTGA[A>G]GGCCCACCCGTGGAGGCCAGACCCAAAGCCCACGGTACCGAGGACAGGATCGATCTGGAA-3'
Protein context (NP_001952.1, residues 213-233): GFGSGLHGWA[Phe223Leu]TLKQFAEMYV

ClinVar aggregate classification (germline): Uncertain significance (1 of 4 stars; one submission).

Submission:

GeneDx
Classification: Uncertain significance. Last evaluated: 2019-11-19. Review status: criteria provided, single submitter. Criteria: GeneDx Variant Classification Process June 2021. Collection method: clinical testing. Allele origin: germline. Affected: yes.
Comment: Not observed in large population cohorts (Lek et al., 2016); In silico analysis, which includes protein predictors and evolutionary conservation, supports a deleterious effect; Has not been previously published as pathogenic or benign to our knowledge; Variants in candidate genes are classified as variants of uncertain significance in accordance with ACMG guidelines (Richards et al., 2015)